The following is an entry in ClinVar:

NM_153676.4(USH1C):c.960G>C (p.Gln320His)

Gene: USH1C (USH1 protein network component harmonin; minus strand). Cytogenetic location: 11p15.1.
Variant type: single nucleotide variant.
Coding change: c.960G>C on transcript NM_153676.4 (MANE Select); coding-DNA position 960, G replaced by C.
Protein change: p.Gln320His; replaces glutamine 320 with histidine.
Molecular consequence: missense variant. On other transcripts: non-coding transcript variant (1).
Genome position (GRCh38, 1-based): chr11:17,522,843, C>G on the plus strand (G>C on the coding strand, the complement: USH1C is on the minus strand). VCF-style: chr11-17522843-C-G. GRCh37 (hg19) VCF-style: chr11-17544390-C-G.
Other names: c.903G>C, p.Gln301His (NM_001297764.2); c.960G>C, p.Gln320His (NM_005709.4); short protein forms Q320H, Q301H.
Identifiers: ClinVar variation 1490124 (VCV001490124.5), dbSNP rs41282934, ClinGen allele CA5904776.

ClinVar aggregate classification (germline): Uncertain significance (1 of 4 stars; one submission).

Allele frequency attached by ClinVar (database versions not stated): TOPMed below 0.00001; ExAC 0.00001; 1000 Genomes Project 30x 0.00031; gnomAD 0.00001; gnomAD exomes 0.00001; 1000 Genomes Project 0.00020.
gnomAD v4.1: 21 of 1,613,668 alleles (0.0013%); highest among the groups gnomAD compares: Non-Finnish European, 0.0018%; no homozygotes.

Submission:

Labcorp Genetics (formerly Invitae), Labcorp
Classification: Uncertain significance. Last evaluated: 2021-09-01. Review status: criteria provided, single submitter. Criteria: Invitae Variant Classification Sherloc (09022015). Collection method: clinical testing. Allele origin: germline.
Comment: This sequence change replaces glutamine with histidine at codon 320 of the USH1C protein (p.Gln320His). The glutamine residue is highly conserved and there is a small physicochemical difference between glutamine and histidine. This variant is present in population databases (rs41282934, ExAC 0.002%). This variant has not been reported in the literature in individuals affected with USH1C-related conditions. Algorithms developed to predict the effect of missense changes on protein structure and function are either unavailable or do not agree on the potential impact of this missense change (SIFT: "Deleterious"; PolyPhen-2: "Probably Damaging"; Align-GVGD: "Class C0"). In summary, the available evidence is currently insufficient to determine the role of this variant in disease. Therefore, it has been classified as a Variant of Uncertain Significance.